The following is an entry in ClinVar:

ClinVar aggregate classification (germline): Uncertain significance (1 of 4 stars; one submission).

Allele frequency attached by ClinVar (database versions not stated): gnomAD exomes below 0.00001 and 0.00001; TOPMed below 0.00001.
gnomAD v4.1: 3 of 1,595,126 alleles (0.00019%); highest among the groups gnomAD compares: Admixed American, 0.0017%; no homozygotes.

Submission:

Labcorp Genetics (formerly Invitae), Labcorp
Classification: Uncertain significance. Last evaluated: 2021-09-20. Review status: criteria provided, single submitter. Criteria: Invitae Variant Classification Sherloc (09022015). Collection method: clinical testing. Allele origin: germline.
Comment: This variant has not been reported in the literature in individuals affected with RAB28-related conditions. This variant is not present in population databases (ExAC no frequency). This sequence change replaces serine with cysteine at codon 165 of the RAB28 protein (p.Ser165Cys). The serine residue is highly conserved and there is a moderate physicochemical difference between serine and cysteine. Algorithms developed to predict the effect of missense changes on protein structure and function (SIFT, PolyPhen-2, Align-GVGD) all suggest that this variant is likely to be disruptive. In summary, the available evidence is currently insufficient to determine the role of this variant in disease. Therefore, it has been classified as a Variant of Uncertain Significance.

NM_001017979.3(RAB28):c.494C>G (p.Ser165Cys)

Gene: RAB28 (RAB28, member RAS oncogene family; minus strand). Cytogenetic location: 4p15.33.
Variant type: single nucleotide variant.
Coding change: c.494C>G on transcript NM_001017979.3 (MANE Select); coding-DNA position 494, C replaced by G.
Protein change: p.Ser165Cys; replaces serine 165 with cysteine.
Molecular consequence: missense variant.
Genome position (GRCh38, 1-based): chr4:13,381,492, G>C on the plus strand (C>G on the coding strand, the complement: RAB28 is on the minus strand). VCF-style: chr4-13381492-G-C. GRCh37 (hg19) VCF-style: chr4-13383116-G-C.
Other names: c.494C>G, p.Ser165Cys (NM_001159601.2, NM_004249.4); short protein forms S165C.
Identifiers: ClinVar variation 1394441 (VCV001394441.6), dbSNP rs962293137, ClinGen allele CA93324906.